The following is an entry in ClinVar:

ClinVar aggregate classification (germline): Uncertain significance (1 of 4 stars; one submission).

Conditions:
Charlevoix-Saguenay spastic ataxia (SACS). Also called: AUTOSOMAL RECESSIVE SPASTIC ATAXIA OF CHARLEVOIX-SAGUENAY; Spastic ataxia of Charlevoix-Saguenay; SPASTIC ATAXIA 6, AUTOSOMAL RECESSIVE. Identifiers: Orphanet 98, MedGen C1849140, MONDO:0010041, OMIM 270550.

Submission:

Myriad Genetics, Inc.
Classification: Uncertain significance for Charlevoix-Saguenay spastic ataxia. Last evaluated: 2026-03-04. Review status: criteria provided, single submitter. Criteria: Myriad Autosomal Dominant, Autosomal Recessive and X-Linked Classification Criteria (2023). Collection method: clinical testing. Allele origin: unknown.
Comment: NM_014363.4(SACS):c.8698_8700delGAT(D2900del) is an in-frame deletion classified as a variant of uncertain significance in the context of autosomal recessive spastic ataxia of Charlevoix-Saguenay. D2900del has not been observed in cases with relevant disease. Relevant functional assessments of this variant are not available in the literature. D2900del has not been observed in referenced population frequency databases. In summary, there is insufficient evidence to classify NM_014363.4(SACS):c.8698_8700delGAT(D2900del) as pathogenic or benign. Please note: this variant was assessed in the context of healthy population screening.

NM_014363.6(SACS):c.8695GAT[1] (p.Asp2900del)

Gene: SACS (sacsin molecular chaperone; minus strand). Cytogenetic location: 13q12.12.
Variant type: Microsatellite.
Coding change: c.8695GAT[1] on transcript NM_014363.6 (MANE Select); one copy of the 3-base unit GAT starting at c.8695; the reference has two copies in a row; one copy, 3 bases deleted.
Protein change: p.Asp2900del; deletes aspartic acid 2900.
Molecular consequence: inframe deletion.
Genome position (GRCh38, 1-based): chr13:23,335,176-23,335,178, ATC deleted on the plus strand (GAT on the coding strand, the reverse complement: SACS is on the minus strand); deleting any 3 consecutive bases within chr13:23,335,176-23,335,182 gives the same sequence; the position shown is the placement nearest the transcript's 3' end. VCF-style (leftmost placement, unchanged base first): chr13-23335175-TATC-T. GRCh37 (hg19) VCF-style: chr13-23909314-TATC-T.
Other names: c.8254GAT[1], p.Asp2753del (NM_001278055.2); c.8722GAT[1], p.Asp2909del (NM_001437336.1); short protein forms D2900del, D2909del, D2753del.
Identifiers: ClinVar variation 5004512 (VCV005004512.1).